The following is an entry in ClinVar:

ClinVar aggregate classification (germline): Likely benign. Review status: criteria provided, multiple submitters, no conflicts (2 of 4 stars). 2 submissions from 2 submitters: Likely benign (2). Last evaluated 2026-05-11.

Conditions:
Neurofibromatosis, type 1 (NF1). Also called: Neurofibromatosis, type I; NEUROFIBROMATOSIS, TYPE I, SOMATIC; Peripheral type neurofibromatosis; VON RECKLINGHAUSEN DISEASE. Identifiers: Orphanet 636, MedGen C0027831, MONDO:0018975, OMIM 162200. Disease mechanism: loss of function.

Allele frequency attached by ClinVar (database versions not stated): ExAC 0.00001.

Submissions (2):

Myriad Genetics, Inc.
Classification: Likely benign for Neurofibromatosis, type 1. Last evaluated: 2026-05-11. Review status: criteria provided, single submitter. Criteria: Myriad Autosomal Dominant, Autosomal Recessive and X-Linked Classification Criteria (2023). Collection method: clinical testing. Allele origin: unknown.
Comment: This variant is considered likely benign. This variant is intronic and is not expected to impact mRNA splicing.

Labcorp Genetics (formerly Invitae), Labcorp
Classification: Likely benign for Neurofibromatosis, type 1. Last evaluated: 2026-01-19. Review status: criteria provided, single submitter. Criteria: Invitae Variant Classification Sherloc (09022015). Collection method: clinical testing. Allele origin: germline.

NM_001042492.3(NF1):c.480-15G>T

Gene: NF1 (neurofibromin 1; plus strand). Cytogenetic location: 17q11.2.
Variant type: single nucleotide variant.
Coding change: c.480-15G>T on transcript NM_001042492.3 (MANE Select); 15 bases into the intron before coding-DNA position 480, G replaced by T.
Molecular consequence: intron variant.
Genome position (GRCh38, 1-based): chr17:31,169,876, G>T. VCF-style: chr17-31169876-G-T. GRCh37 (hg19) VCF-style: chr17-29496894-G-T.
Other names: c.480-15G>T (NM_000267.4, NM_001128147.3).
Identifiers: ClinVar variation 1917446 (VCV001917446.6), dbSNP rs773942788, ClinGen allele CA8485550.